The following is an entry in ClinVar:

ClinVar aggregate classification (germline): Uncertain significance. Review status: criteria provided, multiple submitters, no conflicts (2 of 4 stars). 2 submissions from 2 submitters: Uncertain significance (2). Last evaluated 2024-12-29.

Conditions:
Inborn genetic diseases. Identifiers: MedGen C0950123, MeSH D030342.

Allele frequency attached by ClinVar (database versions not stated): gnomAD exomes below 0.00001; TOPMed 0.00001.
gnomAD v4.1: 1 of 1,583,216 alleles (0.000063%); highest among the groups gnomAD compares: Non-Finnish European, 0.000086%; no homozygotes.

Submissions (2):

Ambry Genetics
Classification: Uncertain significance for Inborn genetic diseases. Last evaluated: 2024-12-29. Review status: criteria provided, single submitter. Criteria: Ambry Variant Classification Scheme 2023. Collection method: clinical testing. Allele origin: germline.
Comment: The p.N1375K variant (also known as c.4125T>G), located in coding exon 29 of the ANKRD26 gene, results from a T to G substitution at nucleotide position 4125. The asparagine at codon 1375 is replaced by lysine, an amino acid with similar properties. This amino acid position is conserved. In addition, this alteration is predicted to be tolerated by in silico analysis. Based on the available evidence, the clinical significance of this variant remains unclear.

Genetic Services Laboratory, University of Chicago
Classification: Uncertain significance. Last evaluated: 2017-01-03. Review status: criteria provided, single submitter. Criteria: ACMG Guidelines, 2015. Collection method: clinical testing. Allele origin: germline. Affected: no.

NM_014915.3(ANKRD26):c.4125T>G (p.Asn1375Lys)

Gene: ANKRD26 (ankyrin repeat domain containing 26; minus strand). Cytogenetic location: 10p12.1.
Variant type: single nucleotide variant.
Coding change: c.4125T>G on transcript NM_014915.3 (MANE Select); coding-DNA position 4125, T replaced by G.
Protein change: p.Asn1375Lys; replaces asparagine 1375 with lysine.
Molecular consequence: missense variant.
Genome position (GRCh38, 1-based): chr10:27,022,648, A>C on the plus strand (T>G on the coding strand, the complement: ANKRD26 is on the minus strand). VCF-style: chr10-27022648-A-C. GRCh37 (hg19) VCF-style: chr10-27311577-A-C.
Other names: c.4122T>G, p.Asn1374Lys (NM_001256053.2); short protein forms N1375K, N1374K.
Identifiers: ClinVar variation 434208 (VCV000434208.7), dbSNP rs1449107925, ClinGen allele CA376359237.
Genomic context (GRCh38, chr10:27,022,648, plus strand): 5'-CATTTCAAATTGACTAGTTTTTAAATCTCCATGGAAACTAAATTCTCCATTTTCATATTC[A>C]TTTAACTTCTTTCTTGTCATTTTTAAGAGGTTCTTAAATCTGCAGGAAGGTACAAAATGA-3'
Protein context (NP_055730.2, residues 1365-1385): NLLKMTRKKL[Asn1375Lys]EYENGEFSFH